The following is an entry in ClinVar:

ClinVar aggregate classification (germline): Uncertain significance (1 of 4 stars; one submission).

Submission:

Labcorp Genetics (formerly Invitae), Labcorp
Classification: Uncertain significance. Last evaluated: 2024-03-04. Review status: criteria provided, single submitter. Criteria: Invitae Variant Classification Sherloc (09022015). Collection method: clinical testing. Allele origin: germline.
Comment: This sequence change affects an acceptor splice site in intron 24 of the ITGA3 gene. While this variant is not anticipated to result in nonsense mediated decay, it likely alters RNA splicing and results in a disrupted protein product. This variant is not present in population databases (gnomAD no frequency). This variant has not been reported in the literature in individuals affected with ITGA3-related conditions. Variants that disrupt the consensus splice site are a relatively common cause of aberrant splicing (PMID: 17576681, 9536098). Algorithms developed to predict the effect of sequence changes on RNA splicing suggest that this variant may disrupt the consensus splice site. In summary, the available evidence is currently insufficient to determine the role of this variant in disease. Therefore, it has been classified as a Variant of Uncertain Significance.

Literature cited by the submitters: PubMed 17576681; PubMed 9536098.

NM_002204.4(ITGA3):c.3046-1G>C

Gene: ITGA3 (integrin subunit alpha 3; plus strand). Cytogenetic location: 17q21.33.
Variant type: single nucleotide variant.
Coding change: c.3046-1G>C on transcript NM_002204.4 (MANE Select); the canonical splice acceptor site of the intron before coding-DNA position 3046, G replaced by C.
Molecular consequence: splice acceptor variant.
Genome position (GRCh38, 1-based): chr17:50,088,224, G>C. VCF-style: chr17-50088224-G-C. GRCh37 (hg19) VCF-style: chr17-48165588-G-C.
Identifiers: ClinVar variation 2705015 (VCV002705015.3), dbSNP rs1318475700, ClinGen allele CA400194608.